The following is an entry in ClinVar:

NM_030777.4(SLC2A10):c.162G>C (p.Leu54=)

Gene: SLC2A10 (solute carrier family 2 member 10; plus strand). Cytogenetic location: 20q13.12.
Variant type: single nucleotide variant.
Coding change: c.162G>C on transcript NM_030777.4 (MANE Select); coding-DNA position 162, G replaced by C.
Protein change: p.Leu54=; no amino-acid change (leucine 54 retained).
Molecular consequence: synonymous variant.
Genome position (GRCh38, 1-based): chr20:46,725,198, G>C. VCF-style: chr20-46725198-G-C. GRCh37 (hg19) VCF-style: chr20-45353837-G-C.
Other names: c.162G>C (NM_030777.3).
Identifiers: ClinVar variation 1603357 (VCV001603357.11), dbSNP rs778830075, ClinGen allele CA9891921.

ClinVar aggregate classification (germline): Likely benign. Review status: criteria provided, multiple submitters, no conflicts (2 of 4 stars). 3 submissions from 3 submitters: Likely benign (2). 1 of the submissions does not count toward it. Last evaluated 2025-12-21.

Conditions:
Arterial tortuosity syndrome (ATORS). Identifiers: Orphanet 3342, MedGen C1859726, MONDO:0008818, OMIM 208050.
SLC2A10-related disorder. Also called: SLC2A10-related condition.
Familial thoracic aortic aneurysm and aortic dissection (TAAD). Also called: Thoracic aortic aneurysms and dissections. Identifiers: Orphanet 91387, MedGen C4707243, MONDO:0019625.

Allele frequency attached by ClinVar (database versions not stated): gnomAD exomes 0.00003 and 0.00008; ExAC 0.00012.
gnomAD v4.1: 49 of 1,614,176 alleles (0.003%); highest among the groups gnomAD compares: South Asian, 0.051%; no homozygotes.

Submissions (3):

Labcorp Genetics (formerly Invitae), Labcorp
Classification: Likely benign for Arterial tortuosity syndrome. Last evaluated: 2025-12-21. Review status: criteria provided, single submitter. Criteria: Invitae Variant Classification Sherloc (09022015). Collection method: clinical testing. Allele origin: germline.

Ambry Genetics
Classification: Likely benign for Familial thoracic aortic aneurysm and aortic dissection. Last evaluated: 2024-05-12. Review status: criteria provided, single submitter. Criteria: Ambry Variant Classification Scheme 2023. Collection method: clinical testing. Allele origin: germline.

PreventionGenetics, part of Exact Sciences
Classification: Likely benign for SLC2A10-related condition. Last evaluated: 2021-08-20. Review status: no assertion criteria provided. Collection method: clinical testing. Allele origin: germline. Not counted in ClinVar's aggregate classification.
Comment: This variant is classified as likely benign based on ACMG/AMP sequence variant interpretation guidelines (Richards et al. 2015 PMID: 25741868, with internal and published modifications).